The following is an entry in ClinVar:

NM_003470.3(USP7):c.3202+16_3202+17insA

Gene: USP7 (ubiquitin specific peptidase 7; minus strand). Cytogenetic location: 16p13.2.
Variant type: Insertion.
Coding change: c.3202+16_3202+17insA on transcript NM_003470.3 (MANE Select); bases 16 to 17 of the intron after coding-DNA position 3202, A inserted.
Molecular consequence: intron variant.
Genome position: GRCh38 VCF-style: chr16-8894533-G-GT. GRCh37 (hg19) VCF-style: chr16-8988390-G-GT.
Other names: c.3028+16_3028+17insA (NM_001321858.2); c.3154+16_3154+17insA (NM_001286457.2); c.2905+16_2905+17insA (NM_001286458.2).
Identifiers: ClinVar variation 1971125 (VCV001971125.30), dbSNP rs543861049, ClinGen allele CA7894708.

ClinVar aggregate classification (germline): Benign/Likely benign. Review status: criteria provided, multiple submitters, no conflicts (2 of 4 stars). 3 submissions from 3 submitters: Benign (1); Likely benign (2). Last evaluated 2026-02-01.

Submissions (3):

CeGaT Center for Human Genetics Tuebingen
Classification: Likely benign. Last evaluated: 2026-02-01. Review status: criteria provided, single submitter. Criteria: CeGaT Center For Human Genetics Tuebingen Variant Classification Criteria Version 2. Collection method: clinical testing. Allele origin: germline. Affected: yes. Observed: 5 variant alleles.
Comment: USP7: BS1

Labcorp Genetics (formerly Invitae), Labcorp
Classification: Benign. Last evaluated: 2025-12-24. Review status: criteria provided, single submitter. Criteria: Invitae Variant Classification Sherloc (09022015). Collection method: clinical testing. Allele origin: germline.

Blueprint Genetics
Classification: Likely benign. Last evaluated: 2024-11-19. Review status: criteria provided, single submitter. Criteria: ACMG Guidelines, 2015. Collection method: clinical testing. Allele origin: germline.